The following is an entry in ClinVar:

NM_001278064.2(GRM1):c.3142T>A (p.Phe1048Ile)

Gene: GRM1 (glutamate metabotropic receptor 1; plus strand). Cytogenetic location: 6q24.3.
Variant type: single nucleotide variant.
Coding change: c.3142T>A on transcript NM_001278064.2 (MANE Select); coding-DNA position 3142, T replaced by A.
Protein change: p.Phe1048Ile; replaces phenylalanine 1048 with isoleucine.
Molecular consequence: missense variant. On other transcripts: 3 prime UTR variant (3).
Genome position (GRCh38, 1-based): chr6:146,434,353, T>A. VCF-style: chr6-146434353-T-A. GRCh37 (hg19) VCF-style: chr6-146755489-T-A.
Other names: c.*380T>A (NM_001278067.1); c.*506T>A (NM_001278065.2); c.*471T>A (NM_001278066.1); short protein forms F1048I.
Identifiers: ClinVar variation 3633709 (VCV003633709.2).

ClinVar aggregate classification (germline): Uncertain significance (1 of 4 stars; one submission).

Submission:

Labcorp Genetics (formerly Invitae), Labcorp
Classification: Uncertain significance. Last evaluated: 2024-03-01. Review status: criteria provided, single submitter. Criteria: Invitae Variant Classification Sherloc (09022015). Collection method: clinical testing. Allele origin: germline.
Comment: This sequence change replaces phenylalanine, which is neutral and non-polar, with isoleucine, which is neutral and non-polar, at codon 1048 of the GRM1 protein (p.Phe1048Ile). This variant is not present in population databases (gnomAD no frequency). This variant has not been reported in the literature in individuals affected with GRM1-related conditions. An algorithm developed to predict the effect of missense changes on protein structure and function (PolyPhen-2) suggests that this variant is likely to be tolerated. In summary, the available evidence is currently insufficient to determine the role of this variant in disease. Therefore, it has been classified as a Variant of Uncertain Significance.